The following is an entry in ClinVar:

ClinVar aggregate classification (germline): Uncertain significance (1 of 4 stars; one submission).

Conditions:
Familial adenomatous polyposis 1 (FAP1). Also called: FAMILIAL ADENOMATOUS POLYPOSIS 1, ATTENUATED; POLYPOSIS, ADENOMATOUS INTESTINAL. Identifiers: MedGen C2713442, MONDO:0021056, OMIM 175100. Disease mechanism: loss of function.

Submission:

Labcorp Genetics (formerly Invitae), Labcorp
Classification: Uncertain significance for Familial adenomatous polyposis 1. Last evaluated: 2023-09-21. Review status: criteria provided, single submitter. Criteria: Invitae Variant Classification Sherloc (09022015). Collection method: clinical testing. Allele origin: germline.
Comment: In summary, the available evidence is currently insufficient to determine the role of this variant in disease. Therefore, it has been classified as a Variant of Uncertain Significance. Experimental studies and prediction algorithms are not available or were not evaluated, and the functional significance of this variant is currently unknown. This variant has not been reported in the literature in individuals affected with APC-related conditions. This variant is not present in population databases (gnomAD no frequency). This variant occurs in a non-coding region of the APC gene. It does not change the encoded amino acid sequence of the APC protein.

NC_000005.10:g.112707406C>A

Gene: APC (APC regulator of Wnt signaling pathway; plus strand). Cytogenetic location: 5q22.2.
Variant type: single nucleotide variant.
Genome position: GRCh38 VCF-style: chr5-112707406-C-A. GRCh37 (hg19) VCF-style: chr5-112043103-C-A.
Identifiers: ClinVar variation 1011102 (VCV001011102.10), dbSNP rs1750556409, ClinGen allele CA1573442258.
Genomic context (GRCh38, chr5:112,707,406, plus strand): 5'-GCAACTGAGACTCGGCTGCCTAGGCAGCAATGGCTCACGGGACAGAACAGCGAAGCAGTG[C>A]CCGGCAAGCGGAGCGCAGCACCCATTGCGCCTGCGCATAACAGGCTCTAGTCTCCGGGCT-3'